The following is an entry in ClinVar:

NM_001037283.2(EIF3B):c.947C>T (p.Thr316Ile)

Gene: EIF3B (eukaryotic translation initiation factor 3 subunit B; plus strand). Cytogenetic location: 7p22.3.
Variant type: single nucleotide variant.
Coding change: c.947C>T on transcript NM_001037283.2 (MANE Select); coding-DNA position 947, C replaced by T.
Protein change: p.Thr316Ile; replaces threonine 316 with isoleucine.
Molecular consequence: missense variant.
Genome position (GRCh38, 1-based): chr7:2,363,708, C>T. VCF-style: chr7-2363708-C-T. GRCh37 (hg19) VCF-style: chr7-2403343-C-T.
Other names: c.947C>T, p.Thr316Ile (NM_001362791.2, NM_003751.4); c.131C>T, p.Thr44Ile (NM_001362792.2, NM_001362793.2); short protein forms T316I, T44I.
Identifiers: ClinVar variation 4975925 (VCV004975925.1).

ClinVar aggregate classification (germline): Uncertain significance (1 of 4 stars; one submission).

gnomAD v4.1: 1 of 1,614,132 alleles (0.000062%); highest among the groups gnomAD compares: Non-Finnish European, 0.000085%; no homozygotes.

Submission:

GeneDx
Classification: Uncertain significance. Last evaluated: 2026-01-30. Review status: criteria provided, single submitter. Criteria: GeneDx Variant Classification Process June 2021. Collection method: clinical testing. Allele origin: germline.
Comment: Not observed at significant frequency in large population cohorts (gnomAD); In silico analysis suggests that this missense variant does not alter protein structure/function; Has not been previously published as pathogenic or benign to our knowledge